The following is an entry in ClinVar:

NM_001958.5(EEF1A2):c.1309G>A (p.Val437Ile)

Gene: EEF1A2 (eukaryotic translation elongation factor 1 alpha 2; minus strand). Cytogenetic location: 20q13.33.
Variant type: single nucleotide variant.
Coding change: c.1309G>A on transcript NM_001958.5 (MANE Select); coding-DNA position 1309, G replaced by A.
Protein change: p.Val437Ile; replaces valine 437 with isoleucine.
Molecular consequence: missense variant.
Genome position (GRCh38, 1-based): chr20:63,488,381, C>T on the plus strand (G>A on the coding strand, the complement: EEF1A2 is on the minus strand). VCF-style: chr20-63488381-C-T. GRCh37 (hg19) VCF-style: chr20-62119734-C-T.
Other names: short protein forms V437I.
Identifiers: ClinVar variation 1311396 (VCV001311396.5), dbSNP rs1057521655, ClinGen allele CA409643575.
Genomic context (GRCh38, chr20:63,488,381, plus strand): 5'-TCTGCGCCGACTTGGTGACCTTGCCGGCGCCGCCGCTCTTCTTCTCCACGTTCTTGATGA[C>T]GCCTACGGCCACCGTCTGCCTCATGTCGCGCACGGCGAAGCGGCCTGGGGGGCGGGGGGC-3'
Protein context (NP_001949.1, residues 427-447): RDMRQTVAVG[Val437Ile]IKNVEKKSGG

ClinVar aggregate classification (germline): Uncertain significance. Review status: criteria provided, multiple submitters, no conflicts (2 of 4 stars). 2 submissions from 2 submitters: Uncertain significance (2). Last evaluated 2024-01-12.

Conditions:
Developmental and epileptic encephalopathy, 33 (DEE33). Also called: Epileptic encephalopathy, early infantile, 33. Identifiers: Orphanet 442835, MedGen C4225337, MONDO:0014625, OMIM 616409.

Submissions (2):

Labcorp Genetics (formerly Invitae), Labcorp
Classification: Uncertain significance for Developmental and epileptic encephalopathy, 33. Last evaluated: 2024-01-12. Review status: criteria provided, single submitter. Criteria: Invitae Variant Classification Sherloc (09022015). Collection method: clinical testing. Allele origin: germline.
Comment: This sequence change replaces valine, which is neutral and non-polar, with isoleucine, which is neutral and non-polar, at codon 437 of the EEF1A2 protein (p.Val437Ile). This variant is not present in population databases (gnomAD no frequency). This variant has not been reported in the literature in individuals affected with EEF1A2-related conditions. ClinVar contains an entry for this variant (Variation ID: 1311396). Advanced modeling of protein sequence and biophysical properties (such as structural, functional, and spatial information, amino acid conservation, physicochemical variation, residue mobility, and thermodynamic stability) performed at Invitae indicates that this missense variant is not expected to disrupt EEF1A2 protein function with a negative predictive value of 80%. In summary, the available evidence is currently insufficient to determine the role of this variant in disease. Therefore, it has been classified as a Variant of Uncertain Significance.

GeneDx
Classification: Uncertain significance. Last evaluated: 2020-01-28. Review status: criteria provided, single submitter. Criteria: GeneDx Variant Classification Process June 2021. Collection method: clinical testing. Allele origin: germline. Affected: yes.
Comment: Has not been previously published as pathogenic or benign to our knowledge; Not observed in large population cohorts (Lek et al., 2016); In silico analysis, which includes protein predictors and evolutionary conservation, supports that this variant does not alter protein structure/function